The following is an entry in ClinVar:

NM_003070.5(SMARCA2):c.1510C>A (p.Arg504=)

Gene: SMARCA2 (SWI/SNF related BAF chromatin remodeling complex subunit ATPase 2; plus strand). Cytogenetic location: 9p24.3.
Variant type: single nucleotide variant.
Coding change: c.1510C>A on transcript NM_003070.5 (MANE Select); coding-DNA position 1510, C replaced by A.
Protein change: p.Arg504=; no amino-acid change (arginine 504 retained).
Molecular consequence: synonymous variant.
Genome position (GRCh38, 1-based): chr9:2,058,453, C>A. VCF-style: chr9-2058453-C-A. GRCh37 (hg19) VCF-style: chr9-2058453-C-A.
Other names: c.1510C>A, p.Arg504= (NM_001289396.2, NM_001289397.2, NM_139045.4).
Identifiers: ClinVar variation 1294473 (VCV001294473.9), dbSNP rs576817778, ClinGen allele CA4963162.

ClinVar aggregate classification (germline): Benign/Likely benign. Review status: criteria provided, multiple submitters, no conflicts (2 of 4 stars). 4 submissions from 4 submitters: Benign (2); Likely benign (1). 1 of the submissions does not count toward it. Last evaluated 2026-07-01.

Conditions:
SMARCA2-related disorder. Also called: SMARCA2-related condition.

Allele frequency attached by ClinVar (database versions not stated): gnomAD 0.00002 and 0.00003; ExAC 0.00008; TOPMed 0.00014.
gnomAD v4.1: 42 of 1,613,714 alleles (0.0026%); highest among the groups gnomAD compares: Admixed American, 0.07%; no homozygotes.

Submissions (4):

CeGaT Center for Human Genetics Tuebingen
Classification: Likely benign. Last evaluated: 2026-07-01. Review status: criteria provided, single submitter. Criteria: CeGaT Center For Human Genetics Tuebingen Variant Classification Criteria Version 2. Collection method: clinical testing. Allele origin: germline. Affected: yes. Observed: 1 variant allele.
Comment: SMARCA2: BP4, BP7

Labcorp Genetics (formerly Invitae), Labcorp
Classification: Benign. Last evaluated: 2026-01-05. Review status: criteria provided, single submitter. Criteria: Invitae Variant Classification Sherloc (09022015). Collection method: clinical testing. Allele origin: germline.

GeneDx
Classification: Benign. Last evaluated: 2021-03-22. Review status: criteria provided, single submitter. Criteria: GeneDx Variant Classification Process June 2021. Collection method: clinical testing. Allele origin: germline. Affected: yes.

PreventionGenetics, part of Exact Sciences
Classification: Likely benign for SMARCA2-related condition. Last evaluated: 2019-05-07. Review status: no assertion criteria provided. Collection method: clinical testing. Allele origin: germline. Not counted in ClinVar's aggregate classification.
Comment: This variant is classified as likely benign based on ACMG/AMP sequence variant interpretation guidelines (Richards et al. 2015 PMID: 25741868, with internal and published modifications).